The following is an entry in ClinVar:

NM_001348323.3(TRIP12):c.4117A>G (p.Ile1373Val)

Gene: TRIP12 (thyroid hormone receptor interactor 12; minus strand). Cytogenetic location: 2q36.3.
Variant type: single nucleotide variant.
Coding change: c.4117A>G on transcript NM_001348323.3 (MANE Select); coding-DNA position 4117, A replaced by G.
Protein change: p.Ile1373Val; replaces isoleucine 1373 with valine.
Molecular consequence: missense variant.
Genome position (GRCh38, 1-based): chr2:229,792,997, T>C on the plus strand (A>G on the coding strand, the complement: TRIP12 is on the minus strand). VCF-style: chr2-229792997-T-C. GRCh37 (hg19) VCF-style: chr2-230657713-T-C.
Other names: c.4036A>G, p.Ile1346Val (NM_001284214.2, NM_001348315.2); c.3991A>G, p.Ile1331Val (NM_001284215.2, NM_001348316.2); c.3082A>G, p.Ile1028Val (NM_001284216.2); c.3976A>G, p.Ile1326Val (NM_001348317.1, NM_001348318.2); c.4102A>G, p.Ile1368Val (NM_001348319.1, NM_001348320.2); c.4105A>G, p.Ile1369Val (NM_001348321.1); c.4117A>G, p.Ile1373Val (NM_001348322.1, NM_001348324.2, NM_001348325.2 and 2 more transcripts); c.4120A>G, p.Ile1374Val (NM_001348328.1, NM_001348329.2, NM_001348330.2); and 5 more; short protein forms I1028V, I1298V, I1299V, I1326V, I1331V, I1339V, I1346V, I1347V.
Identifiers: ClinVar variation 1050540 (VCV001050540.4), dbSNP rs199688160, ClinGen allele CA2152618.

ClinVar aggregate classification (germline): Likely benign. Review status: criteria provided, single submitter (1 of 4 stars). 2 submissions from 2 submitters: Likely benign (1). 1 of the submissions does not count toward it. Last evaluated 2022-12-13.

Conditions:
Inborn genetic diseases. Identifiers: MedGen C0950123, MeSH D030342.

Allele frequency attached by ClinVar (database versions not stated): ExAC 0.00001; gnomAD 0.00001; gnomAD exomes 0.00001 and 0.00002; TOPMed 0.00001; 1000 Genomes Project 30x 0.00016; 1000 Genomes Project 0.00020.
gnomAD v4.1: 17 of 1,613,778 alleles (0.0011%); highest among the groups gnomAD compares: Non-Finnish European, 0.0014%; no homozygotes.

Submissions (2):

Ambry Genetics
Classification: Likely benign for Inborn genetic diseases. Last evaluated: 2022-12-13. Review status: criteria provided, single submitter. Criteria: Ambry Variant Classification Scheme 2023. Collection method: clinical testing. Allele origin: germline.

Department of Pathology and Laboratory Medicine, Sinai Health System
Classification: Uncertain significance. Review status: no assertion criteria provided. Collection method: clinical testing. Allele origin: unknown. Affected: yes. Study: The Canadian Open Genetics Repository (COGR). Not counted in ClinVar's aggregate classification.
Comment: The TRIP12 p.Ile1373Val variant was not identified in the literature nor was it identified in ClinVar. The variant was identified in dbSNP (ID: rs199688160) and in control databases in 5 of 251220 chromosomes at a frequency of 0.0000199 (Genome Aggregation Database March 6, 2019, v2.1.1). The variant was observed in the European (non-Finnish) population in 5 of 113650 chromosomes (freq: 0.000044), but was not observed in the African, Latino, Ashkenazi Jewish, East Asian, European (Finnish), Other, or South Asian populations. The p.Ile1373 residue is conserved in mammals but not in more distantly related organisms however computational analyses (PolyPhen-2, SIFT, AlignGVGD, BLOSUM, MutationTaster) do not suggest a high likelihood of impact to the protein; this information is not predictive enough to rule out pathogenicity. The variant occurs outside of the splicing consensus sequence and in silico or computational prediction software programs (SpliceSiteFinder, MaxEntScan, NNSPLICE, GeneSplicer) do not predict a difference in splicing. In summary, based on the above information the clinical significance of this variant cannot be determined with certainty at this time. This variant is classified as a variant of uncertain significance.